The following is an entry in ClinVar:

ClinVar aggregate classification (germline): Benign (1 of 4 stars; one submission).

Submission:

CeGaT Center for Human Genetics Tuebingen
Classification: Benign. Last evaluated: 2026-03-01. Review status: criteria provided, single submitter. Criteria: CeGaT Center For Human Genetics Tuebingen Variant Classification Criteria Version 2. Collection method: clinical testing. Allele origin: germline. Affected: yes. Observed: 14 variant alleles.
Comment: KDM4B: BS1, BS2

NM_015015.3(KDM4B):c.1115+558del

Gene: KDM4B (lysine demethylase 4B; plus strand). Cytogenetic location: 19p13.3.
Variant type: Deletion.
Coding change: c.1115+558del on transcript NM_015015.3 (MANE Select); 558 bases into the intron after coding-DNA position 1115, one base deleted (A; older notation c.1115+558delA).
Molecular consequence: intron variant. On other transcripts: frameshift variant (1).
Genome position (GRCh38, 1-based): chr19:5,111,376, A deleted; the last of 2 consecutive A bases (chr19:5,111,375-5,111,376); deleting either gives the same sequence. VCF-style (leftmost placement, unchanged base first): chr19-5111374-GA-G. GRCh37 (hg19) VCF-style: chr19-5111385-GA-G.
Other names: c.1117del, p.Thr373fs (NM_001370093.1); c.1116-399del (NM_001370094.1); c.1115+558del (NM_001411148.1); short protein forms T373fs.
Identifiers: ClinVar variation 2649090 (VCV002649090.24), dbSNP rs200439733, ClinGen allele CA9107604.